The following is an entry in ClinVar:

ClinVar aggregate classification (germline): Uncertain significance. Review status: criteria provided, multiple submitters, no conflicts (2 of 4 stars). 2 submissions from 2 submitters: Uncertain significance (2). Last evaluated 2025-10-27.

Conditions:
Immunodeficiency 60. Also called: IMMUNODEFICIENCY 60 AND AUTOIMMUNITY; IMMUNODEFICIENCY AND AUTOIMMUNITY, BACH2-RELATED. Identifiers: MedGen C5193072, MONDO:0032723, OMIM 618394.

Allele frequency attached by ClinVar (database versions not stated): gnomAD exomes below 0.00001.
gnomAD v4.1: 2 of 1,614,064 alleles (0.00012%); highest among the groups gnomAD compares: Admixed American, 0.0017%; no homozygotes.

Submissions (2):

Labcorp Genetics (formerly Invitae), Labcorp
Classification: Uncertain significance. Last evaluated: 2025-10-27. Review status: criteria provided, single submitter. Criteria: Invitae Variant Classification Sherloc (09022015). Collection method: clinical testing. Allele origin: germline.
Comment: This sequence change replaces valine, which is neutral and non-polar, with alanine, which is neutral and non-polar, at codon 575 of the BACH2 protein (p.Val575Ala). This variant is not present in population databases (gnomAD no frequency). This variant has not been reported in the literature in individuals affected with BACH2-related conditions. ClinVar contains an entry for this variant (Variation ID: 989283). Invitae Evidence Modeling of protein sequence and biophysical properties (such as structural, functional, and spatial information, amino acid conservation, physicochemical variation, residue mobility, and thermodynamic stability) indicates that this missense variant is not expected to disrupt BACH2 protein function with a negative predictive value of 80%. In summary, the available evidence is currently insufficient to determine the role of this variant in disease. Therefore, it has been classified as a Variant of Uncertain Significance.

Illumina Laboratory Services, Illumina
Classification: Uncertain significance for Immunodeficiency 60. Last evaluated: 2020-05-29. Review status: criteria provided, single submitter. Criteria: ICSLVariantClassificationCriteria RUGD 01 April 2020. Collection method: clinical testing. Allele origin: unknown.
Comment: The BACH2 c.1724T>C (p.Val575Ala) variant is a missense variant. A literature search was performed for the gene, cDNA change, and amino acid change. No publications were found based on this search. This variant is not found in the Genome Aggregation Database in a region of good sequence coverage, so the variant is presumed to be rare. Based on the limited evidence, the p.Val575Ala variant is classified as a variant of uncertain significance for BACH2-related immunodeficiency and autoimmunity.

NM_021813.4(BACH2):c.1724T>C (p.Val575Ala)

Gene: BACH2 (BACH transcriptional regulator 2; minus strand). Cytogenetic location: 6q15.
Variant type: single nucleotide variant.
Coding change: c.1724T>C on transcript NM_021813.4 (MANE Select); coding-DNA position 1724, T replaced by C.
Protein change: p.Val575Ala; replaces valine 575 with alanine.
Molecular consequence: missense variant.
Genome position (GRCh38, 1-based): chr6:89,950,382, A>G on the plus strand (T>C on the coding strand, the complement: BACH2 is on the minus strand). VCF-style: chr6-89950382-A-G. GRCh37 (hg19) VCF-style: chr6-90660101-A-G.
Other names: c.1724T>C, p.Val575Ala (NM_001170794.2); short protein forms V575A.
Identifiers: ClinVar variation 989283 (VCV000989283.5), dbSNP rs1774004390, ClinGen allele CA365070218.
Genomic context (GRCh38, chr6:89,950,382, plus strand): 5'-GATCCGGATTCGTCACTGGAGTTGGTTCCATAAGACTGCTCACATTTAATTTGGGGCCGC[A>G]CTTGGTTGTACATTCCATCTCCCATCAGGCCTGGTTCCTGATGTTCTGTGGCAAGGAATC-3'
Protein context (NP_068585.1, residues 565-585): GLMGDGMYNQ[Val575Ala]RPQIKCEQSY